The following continues an entry in ClinVar:

NM_007294.4(BRCA1):c.5324T>G (p.Met1775Arg)

Gene: BRCA1. ClinVar aggregate classification (germline): Pathogenic. Pathogenic (1).

Submissions 18 to 29 of 29:

CHEO Genetics Diagnostic Laboratory, Children's Hospital of Eastern Ontario
Classification: Pathogenic for Breast and/or ovarian cancer. Last evaluated: 2017-11-06. Review status: criteria provided, single submitter. Criteria: ACMG Guidelines, 2015. Collection method: clinical testing. Allele origin: germline. Not counted in ClinVar's aggregate classification.

Genologica Medica
Classification: Pathogenic for Breast-ovarian cancer, familial, susceptibility to, 1. Last evaluated: 2017-01-01. Review status: criteria provided, single submitter. Criteria: ACMG Guidelines, 2015. Collection method: clinical testing. Allele origin: germline. Affected: yes. Not counted in ClinVar's aggregate classification.

Women's Health and Genetics/Laboratory Corporation of America, LabCorp
Classification: Pathogenic for Hereditary breast ovarian cancer syndrome. Last evaluated: 2016-06-20. Review status: criteria provided, single submitter. Criteria: LabCorp Variant Classification Summary - May 2015. Collection method: clinical testing. Allele origin: germline. Not counted in ClinVar's aggregate classification.
Comment: Variant summary: The BRCA1 c.5324T>G (p.Met1775Arg) variant involves the alteration of a conserved nucleotide and results in a replacement of a medium size and hydrophobic Methionine (M) with a large size and basic Arginine (R) located in the BRCT domain. Consistently, 5/5 in silico tools predict a damaging outcome for this variant. The variant is absent in 124492 control chromosomes while it was reported in several HBOC patients including one family in which it was shown to co-segregate with the disease, indicating its pathogenicity. Moreover, functional studies demonstrated the variant to impair homology directed repair, single strand annealing, phosphopeptide-binding and transcriptional activity of BRCA1 further supporting a deleterious impact. Additionally, multiple clinical diagnostic laboratories/reputable databases classified this variant as Pathogenic. Taken together, this variant is classified as pathogenic.

Consortium of Investigators of Modifiers of BRCA1/2 (CIMBA), c/o University of Cambridge
Classification: Pathogenic for Breast-ovarian cancer, familial, susceptibility to, 1. Last evaluated: 2015-10-02. Review status: criteria provided, single submitter. Criteria: CIMBA Mutation Classification guidelines May 2016. Collection method: clinical testing. Allele origin: germline. Not counted in ClinVar's aggregate classification.

Hereditary Cancer Genetics group, Vall d'Hebron Institute of Oncology
Classification: Pathogenic for Hereditary breast and ovarian cancer syndrome. Last evaluated: 2019-03-01. Review status: no assertion criteria provided. Collection method: research. Allele origin: germline. Affected: yes. Not counted in ClinVar's aggregate classification.

Research Molecular Genetics Laboratory, Women's College Hospital, University of Toronto
Classification: Pathogenic for Hereditary breast ovarian cancer syndrome. Last evaluated: 2015-12-17. Review status: no assertion criteria provided. Collection method: research. Allele origin: germline. Affected: yes. Study: The Canadian Open Genetics Repository (COGR). Not counted in ClinVar's aggregate classification.

Counsyl
Classification: Pathogenic for Breast-ovarian cancer, familial, susceptibility to, 1. Last evaluated: 2015-07-14. Review status: no assertion criteria provided. Collection method: clinical testing. Allele origin: unknown. Not counted in ClinVar's aggregate classification.

Sharing Clinical Reports Project (SCRP)
Classification: Pathogenic for Breast-ovarian cancer, familial 1. Last evaluated: 2012-05-01. Review status: no assertion criteria provided. Collection method: clinical testing. Allele origin: germline. Not counted in ClinVar's aggregate classification.

OMIM
Classification: Pathogenic for BREAST-OVARIAN CANCER, FAMILIAL, SUSCEPTIBILITY TO, 1. Last evaluated: 2006-04-07. Review status: no assertion criteria provided. Collection method: literature only. Allele origin: germline. Not counted in ClinVar's aggregate classification.

Breast Cancer Information Core (BIC) (BRCA1)
Classification: Uncertain significance for Breast-ovarian cancer, familial 1. Last evaluated: 2002-05-29. Review status: no assertion criteria provided. Collection method: clinical testing. Allele origin: germline. Affected: yes. Observed: 31 variant alleles. Not counted in ClinVar's aggregate classification.

Brotman Baty Institute, University of Washington
No classification provided (evidence only). Condition: Breast-ovarian cancer, familial 1. Review status: no classification provided. Collection method: in vitro. Allele origin: not applicable. Functional consequence: functionally_abnormal. Not counted in ClinVar's aggregate classification.
ClinVar note: "not provided" was previously submitted as the classification for the variant. However, the classification appeared to be based only on an observation of functional data so it was converted to no classification on 2025-07-30.

Department of Pathology and Laboratory Medicine, Sinai Health System
Classification: Pathogenic. Review status: no assertion criteria provided. Collection method: clinical testing. Allele origin: unknown. Affected: yes. Study: The Canadian Open Genetics Repository (COGR). Not counted in ClinVar's aggregate classification.
Comment: The p.Met1775Arg variant was identified in the UMD 2X as a causal variant, in BIC 31X as a variant of unknown clinical importance, and also in the HGMD and LOVD databases. The variant was identified in dbSNP (ID#rs41293463) as a clinically associated SNP, with no population frequency data. In addition, this variant was not identified in 1000 control chromosomes from healthy individuals from one study (Phelan 2005), and was not reported in the Exome Variant Server ESP Project. This variant has been found to segregate with disease in one kindred (Miki 1994). The p.Met1775 residue is conserved across mammals and computational analyses (PolyPhen2, SIFT, AlignGVGD, BLOSUM) suggest that the p.Met1775Arg variant may impact the protein. However, this information is not predictive enough to assume pathogenicity. Several functional studies have concluded that this variant has a deleterious effect on BRCA1 protein function. The mutation has been shown to inhibit the interaction of BRCA1 with the DNA helicase BACH1 (Clapperton 2004, Shiozaki 2004) and with the transcriptional corepressor CtIP (Varma 2005), and yeast and mammalian cell-based assays have demonstrated that the variant impairs transcription activation (Monteiro 1996, Phelan 2005, Tischkowitz 2008). One study utilized a proteolytic sensitivity assay which indicated that the variant results in a folding defect in the BRCT domains, and thus destabilization of this domain (Williams 2003). The authors of this study suggest that this abrogates BRCA1 function, and may explain the spectrum of defects observed in other studies. In summary, based on the above information, this variant is classified as pathogenic.

Literature cited by the submitters: PubMed 21990134 (cited by 4 submitters); PubMed 7545954 (cited by 8 submitters); PubMed 7939630 (cited by 6 submitters); PubMed 22144684 (cited by Labcorp Genetics (formerly Invitae), Labcorp); PubMed 30209399 (cited by 6 submitters); PubMed 12400015 (cited by 4 submitters); PubMed 14534301 (cited by 3 submitters); PubMed 19493677 (cited by Labcorp Genetics (formerly Invitae), Labcorp and Quest Diagnostics Nichols Institute San Juan Capistrano); PubMed 20516115 (cited by 4 submitters); PubMed 23161852 (cited by 6 submitters); PubMed 15133502 (cited by Mayo Clinic Laboratories, Mayo Clinic and Quest Diagnostics Nichols Institute San Juan Capistrano); PubMed 18284688 (cited by 3 submitters); PubMed 22010008 (cited by Mayo Clinic Laboratories, Mayo Clinic and Women's Health and Genetics/Laboratory Corporation of America, LabCorp); PubMed 22034289 (cited by 4 submitters); PubMed 30257991 (cited by 3 submitters); PubMed 30322717 (cited by Mayo Clinic Laboratories, Mayo Clinic and Quest Diagnostics Nichols Institute San Juan Capistrano); PubMed 30765603 (cited by Mayo Clinic Laboratories, Mayo Clinic and Color Diagnostics, LLC DBA Color Health); PubMed 32546644 (cited by Mayo Clinic Laboratories, Mayo Clinic and Color Diagnostics, LLC DBA Color Health); PubMed 7837387 (cited by Color Diagnostics, LLC DBA Color Health and All of Us Research Program, National Institutes of Health); PubMed 8942979 (cited by 3 submitters); PubMed 9738006 (cited by Color Diagnostics, LLC DBA Color Health and All of Us Research Program, National Institutes of Health); PubMed 11301010 (cited by Color Diagnostics, LLC DBA Color Health and All of Us Research Program, National Institutes of Health); PubMed 12427738 (cited by 5 submitters); PubMed 15689452 (cited by 4 submitters); PubMed 19491284 (cited by 5 submitters); PubMed 20104584 (cited by 4 submitters); PubMed 24240112 (cited by 3 submitters); PubMed 26287763 (cited by 4 submitters); PubMed 27469594 (cited by 3 submitters); PubMed 29337092 (cited by Color Diagnostics, LLC DBA Color Health and All of Us Research Program, National Institutes of Health); PubMed 31853058 (cited by Color Diagnostics, LLC DBA Color Health); PubMed 34204722 (cited by Color Diagnostics, LLC DBA Color Health and All of Us Research Program, National Institutes of Health); PubMed 17308087 (cited by 3 submitters); PubMed 17493881 (cited by Ambry Genetics and Quest Diagnostics Nichols Institute San Juan Capistrano); PubMed 17924331 (cited by Ambry Genetics); PubMed 29446198 (cited by Ambry Genetics); PubMed 33646313 (cited by Quest Diagnostics Nichols Institute San Juan Capistrano); PubMed 11573086 (cited by Quest Diagnostics Nichols Institute San Juan Capistrano and Women's Health and Genetics/Laboratory Corporation of America, LabCorp); PubMed 16786532 (cited by Quest Diagnostics Nichols Institute San Juan Capistrano); PubMed 16101277 (cited by Quest Diagnostics Nichols Institute San Juan Capistrano); PubMed 15172985 (cited by Quest Diagnostics Nichols Institute San Juan Capistrano); PubMed 20215423 (cited by Quest Diagnostics Nichols Institute San Juan Capistrano); PubMed 26295337 (cited by Quest Diagnostics Nichols Institute San Juan Capistrano); PubMed 18680205 (cited by Laboratory for Molecular Medicine, Mass General Brigham Personalized Medicine); PubMed 19241424 (cited by Laboratory for Molecular Medicine, Mass General Brigham Personalized Medicine); PubMed 26681312 (cited by Laboratory for Molecular Medicine, Mass General Brigham Personalized Medicine); PubMed 14576432 (cited by Women's Health and Genetics/Laboratory Corporation of America, LabCorp); PubMed 21666281 (cited by Women's Health and Genetics/Laboratory Corporation of America, LabCorp); PubMed 16452482 (cited by Women's Health and Genetics/Laboratory Corporation of America, LabCorp and OMIM); PubMed 16267036 (cited by Women's Health and Genetics/Laboratory Corporation of America, LabCorp); PubMed 15235020 (cited by Women's Health and Genetics/Laboratory Corporation of America, LabCorp); PubMed 22753008 (cited by Women's Health and Genetics/Laboratory Corporation of America, LabCorp); PubMed 21520273 (cited by Women's Health and Genetics/Laboratory Corporation of America, LabCorp and Counsyl); PubMed 30472649 (cited by Hereditary Cancer Genetics group, Vall d'Hebron Institute of Oncology).